The following is an entry in ClinVar:

NM_000548.5(TSC2):c.264G>A (p.Leu88=)

Gene: TSC2 (TSC complex subunit 2; plus strand). Cytogenetic location: 16p13.3.
Variant type: single nucleotide variant.
Coding change: c.264G>A on transcript NM_000548.5 (MANE Select); coding-DNA position 264, G replaced by A.
Protein change: p.Leu88=; no amino-acid change (leucine 88 retained).
Molecular consequence: synonymous variant. On other transcripts: intron variant (2).
Genome position (GRCh38, 1-based): chr16:2,053,380, G>A. VCF-style: chr16-2053380-G-A. GRCh37 (hg19) VCF-style: chr16-2103381-G-A.
Other names: c.264G>A, p.Leu88= (NM_001077183.3, NM_001114382.3, NM_001363528.2 and 3 more transcripts); c.117G>A, p.Leu39= (NM_001318829.2); c.297G>A, p.Leu99= (NM_001318832.2); c.226-916G>A (NM_001318827.2); c.-1-2816G>A (NM_001318831.2).
Identifiers: ClinVar variation 762237 (VCV000762237.21), dbSNP rs1466279830, ClinGen allele CA492955200.
Genomic context (GRCh38, chr16:2,053,380, plus strand): 5'-CTGTCCCCTCTGCTGGTGACAGCACGCAGTGGAAGCACTCTGGAAGGCGGTCGCGGATCT[G>A]TTGCAGCCGGAGCGGCCGCTGGAGGCCCGGCACGCGGTGCTGGCTCTGCTGAAGGCCATC-3'
Protein context (NP_000539.2, residues 78-98): VEALWKAVAD[Leu88=]LQPERPLEAR

ClinVar aggregate classification (germline): Conflicting classifications of pathogenicity. Review status: criteria provided, conflicting classifications (1 of 4 stars). 7 submissions from 7 submitters: Uncertain significance (2); Benign (1); Likely benign (4). Last evaluated 2025-12-29.

Conditions:
Tuberous sclerosis syndrome (TSC). Also called: Tuberous Sclerosis Complex; Tuberous sclerosis. Identifiers: Orphanet 805, MedGen C0041341, MONDO:0001734.
Hereditary cancer-predisposing syndrome. Also called: Tumor predisposition; Hereditary Cancer Syndrome; Neoplastic Syndromes, Hereditary; Hereditary neoplastic syndrome. Identifiers: Orphanet 140162, MedGen C0027672, MeSH D009386, MONDO:0015356.
Tuberous sclerosis 2 (TSC2). Identifiers: Orphanet 805, MedGen C1860707, MONDO:0013199, OMIM 613254.

Allele frequency attached by ClinVar (database versions not stated): TOPMed 0.00001.
gnomAD v4.1: 1 of 1,592,408 alleles (0.000063%); highest among the groups gnomAD compares: Admixed American, 0.0017%; no homozygotes.

Submissions (7):

Labcorp Genetics (formerly Invitae), Labcorp
Classification: Likely benign for Tuberous sclerosis 2. Last evaluated: 2025-12-29. Review status: criteria provided, single submitter. Criteria: Invitae Variant Classification Sherloc (09022015). Collection method: clinical testing. Allele origin: germline.

Myriad Genetics, Inc.
Classification: Benign for Tuberous sclerosis 2. Last evaluated: 2025-05-02. Review status: criteria provided, single submitter. Criteria: Myriad Autosomal Dominant, Autosomal Recessive and X-Linked Classification Criteria (2023). Collection method: clinical testing. Allele origin: unknown.
Comment: This variant is considered benign. This variant is a silent/synonymous amino acid change and it is not expected to impact splicing.

Color Diagnostics, LLC DBA Color Health
Classification: Likely benign for Tuberous sclerosis syndrome. Last evaluated: 2023-06-14. Review status: criteria provided, single submitter. Criteria: ACMG Guidelines, 2015. Collection method: clinical testing. Allele origin: germline.

GeneDx
Classification: Uncertain significance. Last evaluated: 2022-04-07. Review status: criteria provided, single submitter. Criteria: GeneDx Variant Classification Process June 2021. Collection method: clinical testing. Allele origin: germline. Affected: yes.
Comment: In-silico analysis, which includes splice predictors and evolutionary conservation, supports that this variant does not alter protein structure/function; Has not been previously published as pathogenic or benign to our knowledge

Genome-Nilou Lab
Classification: Likely benign for Tuberous sclerosis 2. Last evaluated: 2021-11-07. Review status: criteria provided, single submitter. Criteria: ACMG Guidelines, 2015. Collection method: clinical testing. Allele origin: germline. Affected: no.

Sema4
Classification: Uncertain significance for Hereditary cancer-predisposing syndrome. Last evaluated: 2021-06-07. Review status: criteria provided, single submitter. Criteria: Sema4 Curation Guidelines. Collection method: curation. Allele origin: germline.
Comment: The TSC2 c.264G>A (p.L88=) variant has not been reported in the literature to our knowledge. It was not observed in the large and broad cohorts of the Genome Aggregation Database (PMID: 32461654). The variant has been reported in ClinVar (Variation ID 762237). In silico tools suggest the affected nucleotide is highly conserved. The evidence is insufficient to meet ACMG/AMP criteria for classifying the variant as benign or pathogenic. Thus, the clinical significance of this variant is currently uncertain.

Ambry Genetics
Classification: Likely benign for Hereditary cancer-predisposing syndrome. Last evaluated: 2021-01-28. Review status: criteria provided, single submitter. Criteria: Ambry Variant Classification Scheme 2023. Collection method: clinical testing. Allele origin: germline.